The following is an entry in ClinVar:

ClinVar aggregate classification (germline): Uncertain significance (1 of 4 stars; one submission).

Conditions:
Cardiovascular phenotype. Identifiers: MedGen CN230736.

Submission:

Ambry Genetics
Classification: Uncertain significance for Cardiovascular phenotype. Last evaluated: 2026-01-17. Review status: criteria provided, single submitter. Criteria: Ambry Variant Classification Scheme 2023. Collection method: clinical testing. Allele origin: germline.
Comment: The p.A2150T variant (also known as c.6448G>A), located in coding exon 2 of the ZNF469 gene, results from a G to A substitution at nucleotide position 6448. The alanine at codon 2150 is replaced by threonine, an amino acid with similar properties. This amino acid position is conserved. In addition, this alteration is predicted to be tolerated by in silico analysis. Based on the available evidence, the clinical significance of this variant remains unclear.

NM_001127464.1:c.6448G>A

Gene: ZNF469 (zinc finger protein 469; plus strand).
Variant type: single nucleotide variant.
Identifiers: ClinVar variation 4844999 (VCV004844999.1).